The following is an entry in ClinVar:

NM_001105206.3(LAMA4):c.3841G>A (p.Val1281Met)

Gene: LAMA4 (laminin subunit alpha 4; minus strand). Cytogenetic location: 6q21.
Variant type: single nucleotide variant.
Coding change: c.3841G>A on transcript NM_001105206.3 (MANE Select); coding-DNA position 3841, G replaced by A.
Protein change: p.Val1281Met; replaces valine 1281 with methionine.
Molecular consequence: missense variant.
Genome position (GRCh38, 1-based): chr6:112,131,095, C>T on the plus strand (G>A on the coding strand, the complement: LAMA4 is on the minus strand). VCF-style: chr6-112131095-C-T. GRCh37 (hg19) VCF-style: chr6-112452297-C-T.
Other names: c.3820G>A, p.Val1274Met (NM_001105207.3, NM_002290.5); short protein forms V1274M, V1281M.
Identifiers: ClinVar variation 1022666 (VCV001022666.12), dbSNP rs184696189, ClinGen allele CA3965101.

ClinVar aggregate classification (germline): Uncertain significance. Review status: criteria provided, multiple submitters, no conflicts (2 of 4 stars). 2 submissions from 2 submitters: Uncertain significance (2). Last evaluated 2025-07-24.

Conditions:
Dilated cardiomyopathy 1JJ (CMD1JJ). Identifiers: Orphanet 154, MedGen C3808935, MONDO:0014095, OMIM 615235.
Cardiovascular phenotype. Identifiers: MedGen CN230736.

Allele frequency attached by ClinVar (database versions not stated): gnomAD exomes below 0.00001 and 0.00001; ExAC 0.00001; gnomAD 0.00001 and 0.00002; 1000 Genomes Project 0.00020; 1000 Genomes Project 30x 0.00031.
gnomAD v4.1: 7 of 1,612,910 alleles (0.00043%); highest among the groups gnomAD compares: East Asian, 0.0022%; no homozygotes.

Submissions (2):

Ambry Genetics
Classification: Uncertain significance for Cardiovascular phenotype. Last evaluated: 2025-07-24. Review status: criteria provided, single submitter. Criteria: Ambry Variant Classification Scheme 2023. Collection method: clinical testing. Allele origin: germline.
Comment: The p.V1274M variant (also known as c.3820G>A), located in coding exon 28 of the LAMA4 gene, results from a G to A substitution at nucleotide position 3820. The valine at codon 1274 is replaced by methionine, an amino acid with highly similar properties. This amino acid position is conserved. In addition, this alteration is predicted to be tolerated by in silico analysis. Since supporting evidence is limited at this time, the clinical significance of this alteration remains unclear.

Labcorp Genetics (formerly Invitae), Labcorp
Classification: Uncertain significance for Dilated cardiomyopathy 1JJ. Last evaluated: 2022-04-08. Review status: criteria provided, single submitter. Criteria: Invitae Variant Classification Sherloc (09022015). Collection method: clinical testing. Allele origin: germline.
Comment: In summary, the available evidence is currently insufficient to determine the role of this variant in disease. Therefore, it has been classified as a Variant of Uncertain Significance. Algorithms developed to predict the effect of missense changes on protein structure and function output the following: SIFT: "Tolerated"; PolyPhen-2: "Benign"; Align-GVGD: "Class C0". The methionine amino acid residue is found in multiple mammalian species, which suggests that this missense change does not adversely affect protein function. ClinVar contains an entry for this variant (Variation ID: 1022666). This variant has not been reported in the literature in individuals affected with LAMA4-related conditions. This variant is present in population databases (rs184696189, gnomAD 0.003%). This sequence change replaces valine, which is neutral and non-polar, with methionine, which is neutral and non-polar, at codon 1274 of the LAMA4 protein (p.Val1274Met).